The following is an entry in ClinVar:

ClinVar aggregate classification (germline): Conflicting classifications of pathogenicity. Review status: criteria provided, conflicting classifications (1 of 4 stars). 2 submissions from 2 submitters: Likely pathogenic (1); Uncertain significance (1). Last evaluated 2024-12-09.

Conditions:
Familial thoracic aortic aneurysm and aortic dissection (TAAD). Also called: Thoracic aortic aneurysms and dissections. Identifiers: Orphanet 91387, MedGen C4707243, MONDO:0019625.
Marfan syndrome (MFS). Also called: MARFAN SYNDROME, TYPE I; Marfan syndrome type 1; Marfan's syndrome; Marfan syndrome, classic; FBN1-Related Marfan Syndrome. Identifiers: Orphanet 284963, Orphanet 558, MedGen C0024796, MONDO:0007947, OMIM 154700.

Submissions (2):

Labcorp Genetics (formerly Invitae), Labcorp
Classification: Likely pathogenic for Marfan syndrome; Familial thoracic aortic aneurysm and aortic dissection. Last evaluated: 2024-12-09. Review status: criteria provided, single submitter. Criteria: Invitae Variant Classification Sherloc (09022015). Collection method: clinical testing. Allele origin: germline.
Comment: This sequence change falls in intron 47 of the FBN1 gene. It does not directly change the encoded amino acid sequence of the FBN1 protein. This variant is not present in population databases (gnomAD no frequency). This variant has been observed in individuals with thoracic aortic aneurysm and/or aortic dissection (internal data). It has also been observed to segregate with disease in related individuals. ClinVar contains an entry for this variant (Variation ID: 2953736). Algorithms developed to predict the effect of sequence changes on RNA splicing suggest that this variant may disrupt the consensus splice site. In summary, the currently available evidence indicates that the variant is pathogenic, but additional data are needed to prove that conclusively. Therefore, this variant has been classified as Likely Pathogenic.

Ambry Genetics
Classification: Uncertain significance for Familial thoracic aortic aneurysm and aortic dissection. Last evaluated: 2015-04-21. Review status: criteria provided, single submitter. Criteria: Ambry Variant Classification Scheme 2023. Collection method: clinical testing. Allele origin: germline.
Comment: Based on insufficient or conflicting evidence, the clinical significance of this alteration remains unclear.

NM_000138.5(FBN1):c.5789-14G>A

Gene: FBN1 (fibrillin 1; minus strand). Cytogenetic location: 15q21.1.
Variant type: single nucleotide variant.
Coding change: c.5789-14G>A on transcript NM_000138.5 (MANE Select); 14 bases into the intron before coding-DNA position 5789, G replaced by A.
Molecular consequence: intron variant.
Genome position (GRCh38, 1-based): chr15:48,445,518, C>T on the plus strand (G>A on the coding strand, the complement: FBN1 is on the minus strand). VCF-style: chr15-48445518-C-T. GRCh37 (hg19) VCF-style: chr15-48737715-C-T.
Other names: c.5789-14G>A (NM_001406716.1, NM_000138.4).
Identifiers: ClinVar variation 2953736 (VCV002953736.4), dbSNP rs2505455800, ClinGen allele CA2740096637.